The following is an entry in ClinVar:

NM_018294.6(CWF19L1):c.1552G>A (p.Glu518Lys)

Genes: CHUK-DT (CHUK divergent transcript; plus strand), CWF19L1 (CWF19 like cell cycle control factor 1; minus strand). Cytogenetic location: 10q24.31.
Variant type: single nucleotide variant.
Coding change: c.1552G>A on transcript NM_018294.6 (MANE Select); coding-DNA position 1552, G replaced by A.
Protein change: p.Glu518Lys; replaces glutamic acid 518 with lysine.
Molecular consequence: missense variant. On other transcripts: non-coding transcript variant (2).
Genome position (GRCh38, 1-based): chr10:100,233,292, C>T on the plus strand (G>A on the coding strand, the complement: CWF19L1 is on the minus strand). VCF-style: chr10-100233292-C-T. GRCh37 (hg19) VCF-style: chr10-101993049-C-T.
Other names: c.1432G>A, p.Glu478Lys (NM_001303404.2); c.1141G>A, p.Glu381Lys (NM_001303405.2, NM_001303406.2); c.817G>A, p.Glu273Lys (NM_001303407.2); c.1552G>A (NM_018294.4); short protein forms E273K, E381K, E478K, E518K.
Identifiers: ClinVar variation 3256766 (VCV003256766.2).
Genomic context (GRCh38, chr10:100,233,292, plus strand): 5'-CATCCAGAGTAAAGTCATAGGGCTCAAAGTCTTTCCGGAAGCGGCGAGCCAGGGTCTCCT[C>T]GTCTTCCTTGCTGATCTGACACTGCCTCCAGTCAGACTTATCAGGAACATTAAGGATGGC-3'
Protein context (NP_060764.3, residues 508-528): WRQCQISKED[Glu518Lys]ETLARRFRKD

ClinVar aggregate classification (germline): Uncertain significance. Review status: criteria provided, single submitter (1 of 4 stars). 2 submissions from 2 submitters: Uncertain significance (1). 1 of the submissions does not count toward it. Last evaluated 2024-09-03.

Conditions:
Inborn genetic diseases. Identifiers: MedGen C0950123, MeSH D030342.
Autosomal recessive spinocerebellar ataxia 17. Identifiers: Orphanet 453521, MedGen C4015301, MONDO:0014503, OMIM 616127.

gnomAD v4.1: 5 of 1,613,914 alleles (0.00031%); highest among the groups gnomAD compares: Admixed American, 0.0017%; no homozygotes.

Submissions (2):

Ambry Genetics
Classification: Uncertain significance for Inborn genetic diseases. Last evaluated: 2024-09-03. Review status: criteria provided, single submitter. Criteria: Ambry Variant Classification Scheme 2023. Collection method: clinical testing. Allele origin: germline.

Solve-RD Consortium
Classification: Likely pathogenic for Autosomal recessive spinocerebellar ataxia 17. Last evaluated: 2022-06-01. Review status: no assertion criteria provided. Collection method: provider interpretation. Allele origin: inherited. Affected: yes. Not counted in ClinVar's aggregate classification.
Comment: Variant confirmed as disease-causing by referring clinical team

Variant identified during reanalysis of unsolved cases by the Solve-RD project. The Solve-RD project has received funding from the European Union’s Horizon 2020 research and innovation programme under grant agreement No 779257.

Literature cited by the submitters: PubMed 39825153 (cited by Solve-RD Consortium).